The following is an entry in ClinVar:

ClinVar aggregate classification (germline): Uncertain significance (1 of 4 stars; one submission).

Conditions:
Bardet-Biedl syndrome (BBS). Identifiers: Orphanet 110, MedGen C0752166, MONDO:0015229.

Submission:

Labcorp Genetics (formerly Invitae), Labcorp
Classification: Uncertain significance for Bardet-Biedl syndrome. Last evaluated: 2022-08-07. Review status: criteria provided, single submitter. Criteria: Invitae Variant Classification Sherloc (09022015). Collection method: clinical testing. Allele origin: germline.
Comment: This sequence change falls in intron 12 of the WDPCP gene. It does not directly change the encoded amino acid sequence of the WDPCP protein. It affects a nucleotide within the consensus splice site. This variant is not present in population databases (gnomAD no frequency). This variant has not been reported in the literature in individuals affected with WDPCP-related conditions. ClinVar contains an entry for this variant (Variation ID: 1445297). Variants that disrupt the consensus splice site are a relatively common cause of aberrant splicing (PMID: 17576681, 9536098). Algorithms developed to predict the effect of sequence changes on RNA splicing suggest that this variant may disrupt the consensus splice site. In summary, the available evidence is currently insufficient to determine the role of this variant in disease. Therefore, it has been classified as a Variant of Uncertain Significance.

Literature cited by the submitters: PubMed 17576681; PubMed 9536098.

NM_015910.7(WDPCP):c.1748+3G>C

Gene: WDPCP (WD repeat containing planar cell polarity effector; minus strand). Cytogenetic location: 2p15.
Variant type: single nucleotide variant.
Coding change: c.1748+3G>C on transcript NM_015910.7 (MANE Select); 3 bases into the intron after coding-DNA position 1748, G replaced by C.
Molecular consequence: intron variant.
Genome position (GRCh38, 1-based): chr2:63,378,383, C>G on the plus strand (G>C on the coding strand, the complement: WDPCP is on the minus strand). VCF-style: chr2-63378383-C-G. GRCh37 (hg19) VCF-style: chr2-63605518-C-G.
Other names: c.1676+3G>C (NM_001354044.2); c.1271+3G>C (NM_001042692.3); c.1748+3G>C (NM_001354045.2).
Identifiers: ClinVar variation 1445297 (VCV001445297.3), dbSNP rs2104857373, ClinGen allele CA645517304.
Genomic context (GRCh38, chr2:63,378,383, plus strand): 5'-AAGAGGATGTCTCCTGAAATAAGTAATTAGTCTGACGCTAATCAATCCAAACATATCATT[C>G]ACCTGAGCAAGTGATGGAAGAATCTCCTTGCATATTTGCTGATTTGATCTCTATATTCCA-3'